The following is an entry in ClinVar:

ClinVar aggregate classification (germline): Uncertain significance (1 of 4 stars; one submission).

Conditions:
Early-infantile DEE. Also called: Early infantile epileptic encephalopathy; Ohtahara syndrome; Early infantile epileptic encephalopathy with suppression bursts. Identifiers: Orphanet 1934, MedGen C0393706, MONDO:0800491.

Submission:

Labcorp Genetics (formerly Invitae), Labcorp
Classification: Uncertain significance for Early-infantile DEE. Last evaluated: 2024-04-18. Review status: criteria provided, single submitter. Criteria: Invitae Variant Classification Sherloc (09022015). Collection method: clinical testing. Allele origin: germline.
Comment: This sequence change replaces valine, which is neutral and non-polar, with methionine, which is neutral and non-polar, at codon 438 of the SPTAN1 protein (p.Val438Met). This variant is not present in population databases (gnomAD no frequency). This variant has not been reported in the literature in individuals affected with SPTAN1-related conditions. Advanced modeling of protein sequence and biophysical properties (such as structural, functional, and spatial information, amino acid conservation, physicochemical variation, residue mobility, and thermodynamic stability) has been performed at Invitae for this missense variant, however the output from this modeling did not meet the statistical confidence thresholds required to predict the impact of this variant on SPTAN1 protein function. In summary, the available evidence is currently insufficient to determine the role of this variant in disease. Therefore, it has been classified as a Variant of Uncertain Significance.

NM_001130438.3(SPTAN1):c.1312G>A (p.Val438Met)

Gene: SPTAN1 (spectrin alpha, non-erythrocytic 1; plus strand). Cytogenetic location: 9q34.11.
Variant type: single nucleotide variant.
Coding change: c.1312G>A on transcript NM_001130438.3 (MANE Select); coding-DNA position 1312, G replaced by A.
Protein change: p.Val438Met; replaces valine 438 with methionine.
Molecular consequence: missense variant.
Genome position (GRCh38, 1-based): chr9:128,579,727, G>A. VCF-style: chr9-128579727-G-A. GRCh37 (hg19) VCF-style: chr9-131342006-G-A.
Other names: c.1312G>A, p.Val438Met (NM_001195532.2, NM_001363759.2, NM_001363765.2 and 5 more transcripts); c.1348G>A, p.Val450Met (NM_001375312.2, NM_001375318.1); short protein forms V450M, V438M.
Identifiers: ClinVar variation 3635898 (VCV003635898.2).